The following is an entry in ClinVar:

NM_000352.6(ABCC8):c.1536C>T (p.Tyr512=)

Gene: ABCC8 (ATP binding cassette subfamily C member 8; minus strand). Cytogenetic location: 11p15.1.
Variant type: single nucleotide variant.
Coding change: c.1536C>T on transcript NM_000352.6 (MANE Select); coding-DNA position 1536, C replaced by T.
Protein change: p.Tyr512=; no amino-acid change (tyrosine 512 retained).
Molecular consequence: synonymous variant. On other transcripts: non-coding transcript variant (1).
Genome position (GRCh38, 1-based): chr11:17,442,814, G>A on the plus strand (C>T on the coding strand, the complement: ABCC8 is on the minus strand). VCF-style: chr11-17442814-G-A. GRCh37 (hg19) VCF-style: chr11-17464361-G-A.
Other names: c.1536C>T, p.Tyr512= (NM_001287174.3, NM_001351295.2); c.1533C>T, p.Tyr511= (NM_001351296.2, NM_001351297.2).
Identifiers: ClinVar variation 736485 (VCV000736485.13), dbSNP rs765090096, ClinGen allele CA5903537.

ClinVar aggregate classification (germline): Likely benign. Review status: criteria provided, single submitter (1 of 4 stars). 3 submissions from 3 submitters: Likely benign (1). 2 of the submissions do not count toward it. Last evaluated 2025-11-25.

Conditions:
ABCC8-related disorder.
Hereditary hyperinsulinism.

Allele frequency attached by ClinVar (database versions not stated): TOPMed below 0.00001; ExAC 0.00001; gnomAD exomes 0.00001 and 0.00003; gnomAD 0.00002 and 0.00004.
gnomAD v4.1: 43 of 1,613,984 alleles (0.0027%); highest among the groups gnomAD compares: Middle Eastern, 0.017%; 1 homozygote.

Submissions (3):

Labcorp Genetics (formerly Invitae), Labcorp
Classification: Likely benign. Last evaluated: 2025-11-25. Review status: criteria provided, single submitter. Criteria: Invitae Variant Classification Sherloc (09022015). Collection method: clinical testing. Allele origin: germline.

PreventionGenetics, part of Exact Sciences
Classification: Likely benign for ABCC8-related condition. Last evaluated: 2021-04-18. Review status: no assertion criteria provided. Collection method: clinical testing. Allele origin: germline. Not counted in ClinVar's aggregate classification.
Comment: This variant is classified as likely benign based on ACMG/AMP sequence variant interpretation guidelines (Richards et al. 2015 PMID: 25741868, with internal and published modifications).

Natera, Inc.
Classification: Uncertain significance for Hereditary hyperinsulinism. Last evaluated: 2020-04-10. Review status: no assertion criteria provided. Collection method: clinical testing. Allele origin: germline. Not counted in ClinVar's aggregate classification.